The following is an entry in ClinVar:

NM_001177693.2(ARHGEF28):c.5113C>T (p.Leu1705Phe)

Gene: ARHGEF28 (Rho guanine nucleotide exchange factor 28; plus strand). Cytogenetic location: 5q13.2.
Variant type: single nucleotide variant.
Coding change: c.5113C>T on transcript NM_001177693.2 (MANE Select); coding-DNA position 5113, C replaced by T.
Protein change: p.Leu1705Phe; replaces leucine 1705 with phenylalanine.
Molecular consequence: missense variant.
Genome position (GRCh38, 1-based): chr5:73,941,008, C>T. VCF-style: chr5-73941008-C-T. GRCh37 (hg19) VCF-style: chr5-73236833-C-T.
Other names: c.5191C>T, p.Leu1731Phe (NM_001080479.3); c.4174C>T, p.Leu1392Phe (NM_001244364.2); c.4819C>T, p.Leu1607Phe (NM_001388076.1); short protein forms L1392F, L1607F, L1705F, L1731F.
Identifiers: ClinVar variation 2629804 (VCV002629804.2), dbSNP rs138061478, ClinGen allele CA121385958.

ClinVar aggregate classification (germline): Uncertain significance (0 of 4 stars; one submission).

Conditions:
ARHGEF28-related disorder. Also called: ARHGEF28-related condition.

Allele frequency attached by ClinVar (database versions not stated): gnomAD 0.00002; TOPMed 0.00006; 1000 Genomes Project 30x 0.00016; 1000 Genomes Project 0.00020.
gnomAD v4.1: 52 of 1,492,736 alleles (0.0035%); highest among the groups gnomAD compares: East Asian, 0.063%; no homozygotes.

Submission:

PreventionGenetics, part of Exact Sciences
Classification: Uncertain significance for ARHGEF28-related condition. Last evaluated: 2024-09-25. Review status: no assertion criteria provided. Collection method: clinical testing. Allele origin: germline.
Comment: The ARHGEF28 c.5191C>T variant is predicted to result in the amino acid substitution p.Leu1731Phe. To our knowledge, this variant has not been reported in the literature. This variant is reported in 0.12% of alleles in individuals of East Asian descent in gnomAD. Although we suspect that this variant may be benign, at this time, the clinical significance of this variant is uncertain due to the absence of conclusive functional and genetic evidence.